The following is an entry in ClinVar:

NM_001099922.3(ALG13):c.1037A>G (p.Tyr346Cys)

Gene: ALG13 (ALG13 UDP-N-acetylglucosaminyltransferase subunit; plus strand). Cytogenetic location: Xq23.
Variant type: single nucleotide variant.
Coding change: c.1037A>G on transcript NM_001099922.3 (MANE Select); coding-DNA position 1037, A replaced by G.
Protein change: p.Tyr346Cys; replaces tyrosine 346 with cysteine.
Molecular consequence: missense variant. On other transcripts: non-coding transcript variant (1).
Genome position (GRCh38, 1-based): chrX:111,717,877, A>G. VCF-style: chrX-111717877-A-G. GRCh37 (hg19) VCF-style: chrX-110961105-A-G.
Other names: c.725A>G, p.Tyr242Cys (NM_001257230.2, NM_001257234.2, NM_001257237.2 and 1 more transcripts); c.803A>G, p.Tyr268Cys (NM_001257231.2); c.1037A>G, p.Tyr346Cys (NM_001324292.2); short protein forms Y242C, Y268C, Y346C.
Identifiers: ClinVar variation 3898036 (VCV003898036.1).

ClinVar aggregate classification (germline): Uncertain significance (1 of 4 stars; one submission).

Conditions:
Developmental and epileptic encephalopathy, 36 (DEE36). Also called: Epileptic encephalopathy, early infantile, 36; Congenital disorder of glycosylation, type Is; ALG13-CDG. Identifiers: Orphanet 324422, MedGen C4317295, MONDO:0010472, OMIM 300884.

Submission:

Neuberg Centre For Genomic Medicine, NCGM
Classification: Uncertain significance for Developmental and epileptic encephalopathy, 36. Last evaluated: 2024-02-01. Review status: criteria provided, single submitter. Criteria: ACMG Guidelines, 2015. Collection method: clinical testing. Allele origin: germline. Inheritance: X-linked inheritance.
Comment: The above variant has not been reported previously as a pathogenic variant nor as a benign variant, to our knowledge. Additional functional evidence will be required to prove the pathogenicity of this variant. For these reasons, this variant has been classified as Variant of Uncertain Significance (VUS).